The following is an entry in ClinVar:

ClinVar aggregate classification (germline): Likely benign (1 of 4 stars; one submission).

gnomAD v4.1: 4 of 1,614,214 alleles (0.00025%); highest among the groups gnomAD compares: Middle Eastern, 0.016%; no homozygotes.

Submission:

CeGaT Center for Human Genetics Tuebingen
Classification: Likely benign. Last evaluated: 2025-03-01. Review status: criteria provided, single submitter. Criteria: CeGaT Center For Human Genetics Tuebingen Variant Classification Criteria Version 2. Collection method: clinical testing. Allele origin: germline. Affected: yes. Observed: 2 variant alleles.
Comment: KANSL1: BP4, BP7

NM_015443.4(KANSL1):c.999A>C (p.Pro333=)

Gene: KANSL1 (KAT8 regulatory NSL complex subunit 1). Cytogenetic location: 17q21.31.
Variant type: single nucleotide variant.
Coding change: c.999A>C on transcript NM_015443.4 (MANE Select); coding-DNA position 999, A replaced by C.
Protein change: p.Pro333=; no amino-acid change (proline 333 retained).
Molecular consequence: synonymous variant. On other transcripts: intron variant (4).
Genome position (GRCh38, 1-based): chr17:46,171,145, T>G on the plus strand (A>C on the coding strand, the complement: KANSL1 is on the minus strand). VCF-style: chr17-46171145-T-G. GRCh37 (hg19) VCF-style: chr17-44248511-T-G.
Other names: c.999A>C, p.Pro333= (NM_001193465.2, NM_001193466.2, NM_001379198.1 and 18 more transcripts); c.23+52526A>C (NM_001405885.1, NM_001405884.1, NM_001405883.1 and 1 more transcripts).
Identifiers: ClinVar variation 3778157 (VCV003778157.7).